The following is an entry in ClinVar:

ClinVar aggregate classification (germline): Benign. Review status: criteria provided, multiple submitters, no conflicts (2 of 4 stars). 2 submissions from 2 submitters: Benign (2). Last evaluated 2024-06-01.

Allele frequency attached by ClinVar (database versions not stated): 1000 Genomes Project 0.00419; 1000 Genomes Project 30x 0.00500; ExAC 0.00794; gnomAD 0.00816; TOPMed 0.00880; ESP Exome Variant Server 0.00969; gnomAD exomes 0.01280.
gnomAD v4.1: 19,775 of 1,614,152 alleles (1.2%); highest among the groups gnomAD compares: Non-Finnish European, 1.5%; 171 homozygotes.

Submissions (2):

CeGaT Center for Human Genetics Tuebingen
Classification: Benign. Last evaluated: 2024-06-01. Review status: criteria provided, single submitter. Criteria: CeGaT Center For Human Genetics Tuebingen Variant Classification Criteria Version 2. Collection method: clinical testing. Allele origin: germline. Affected: yes. Observed: 11 variant alleles.
Comment: PUM1: BP4, BP7, BS1, BS2

Mayo Clinic Laboratories, Mayo Clinic
Classification: Benign. Last evaluated: 2024-02-12. Review status: criteria provided, single submitter. Criteria: ACMG Guidelines, 2015. Collection method: clinical testing. Allele origin: germline. Observed: 8 variant alleles.
Comment: BS1, BS2, BP4

NM_001020658.2(PUM1):c.2043C>T (p.Leu681=)

Gene: PUM1 (pumilio RNA binding family member 1; minus strand). Cytogenetic location: 1p35.2.
Variant type: single nucleotide variant.
Coding change: c.2043C>T on transcript NM_001020658.2 (MANE Select); coding-DNA position 2043, C replaced by T.
Protein change: p.Leu681=; no amino-acid change (leucine 681 retained).
Molecular consequence: synonymous variant.
Genome position (GRCh38, 1-based): chr1:30,966,025, G>A on the plus strand (C>T on the coding strand, the complement: PUM1 is on the minus strand). VCF-style: chr1-30966025-G-A. GRCh37 (hg19) VCF-style: chr1-31438872-G-A.
Other names: p.Leu681=; c.2043C>T, p.Leu681= (NM_014676.3).
Identifiers: ClinVar variation 1879082 (VCV001879082.30), dbSNP rs10798816, ClinGen allele CA729046.